The following is an entry in ClinVar:

ClinVar aggregate classification (germline): Uncertain significance. Review status: criteria provided, multiple submitters, no conflicts (2 of 4 stars). 3 submissions from 3 submitters: Uncertain significance (3). Last evaluated 2023-04-03.

Conditions:
Myofibrillar myopathy 5. Also called: Filaminopathy (type); FILAMINOPATHY, AUTOSOMAL DOMINANT. Identifiers: Orphanet 171445, MedGen C1836050, MONDO:0012289, OMIM 609524.
Hypertrophic cardiomyopathy 26. Also called: Cardiomyopathy, familial hypertrophic, 26. Identifiers: Orphanet 75249, MedGen C4310749, MONDO:0014883, OMIM 617047.
Dilated Cardiomyopathy, Dominant.
Distal myopathy with posterior leg and anterior hand involvement. Also called: WILLIAMS DISTAL MYOPATHY. Identifiers: Orphanet 63273, MedGen C3279722, MONDO:0013550, OMIM 614065.

Allele frequency attached by ClinVar (database versions not stated): gnomAD exomes below 0.00001.
gnomAD v4.1: 3 of 1,613,998 alleles (0.00019%); highest among the groups gnomAD compares: South Asian, 0.0011%; no homozygotes.

Submissions (3):

Labcorp Genetics (formerly Invitae), Labcorp
Classification: Uncertain significance for Distal myopathy with posterior leg and anterior hand involvement; Myofibrillar myopathy 5; Hypertrophic cardiomyopathy 26. Last evaluated: 2023-04-03. Review status: criteria provided, single submitter. Criteria: Invitae Variant Classification Sherloc (09022015). Collection method: clinical testing. Allele origin: germline.
Comment: In summary, the available evidence is currently insufficient to determine the role of this variant in disease. Therefore, it has been classified as a Variant of Uncertain Significance. Advanced modeling of protein sequence and biophysical properties (such as structural, functional, and spatial information, amino acid conservation, physicochemical variation, residue mobility, and thermodynamic stability) has been performed at Invitae for this missense variant, however the output from this modeling did not meet the statistical confidence thresholds required to predict the impact of this variant on FLNC protein function. ClinVar contains an entry for this variant (Variation ID: 1312352). This variant has not been reported in the literature in individuals affected with FLNC-related conditions. This variant is not present in population databases (gnomAD no frequency). This sequence change replaces asparagine, which is neutral and polar, with serine, which is neutral and polar, at codon 1727 of the FLNC protein (p.Asn1727Ser).

GeneDx
Classification: Uncertain significance. Last evaluated: 2019-09-12. Review status: criteria provided, single submitter. Criteria: GeneDx Variant Classification Process June 2021. Collection method: clinical testing. Allele origin: germline. Affected: yes.
Comment: Has not been previously published as pathogenic or benign to our knowledge; Not observed in large population cohorts (Lek et al., 2016); In silico analysis, which includes protein predictors and evolutionary conservation, supports a deleterious effect

Blueprint Genetics
Classification: Uncertain significance. Last evaluated: 2018-02-05. Review status: criteria provided, single submitter. Criteria: ACMG Guidelines, 2015. Collection method: clinical testing. Allele origin: germline.

NM_001458.5(FLNC):c.5180A>G (p.Asn1727Ser)

Gene: FLNC (filamin C; plus strand). Cytogenetic location: 7q32.1.
Variant type: single nucleotide variant.
Coding change: c.5180A>G on transcript NM_001458.5 (MANE Select); coding-DNA position 5180, A replaced by G.
Protein change: p.Asn1727Ser; replaces asparagine 1727 with serine.
Molecular consequence: missense variant.
Genome position (GRCh38, 1-based): chr7:128,849,559, A>G. VCF-style: chr7-128849559-A-G. GRCh37 (hg19) VCF-style: chr7-128489613-A-G.
Other names: c.5180A>G, p.Asn1727Ser (NM_001127487.2); short protein forms N1727S.
Identifiers: ClinVar variation 1312352 (VCV001312352.4), dbSNP rs1808718121, ClinGen allele CA369204358.
Genomic context (GRCh38, chr7:128,849,559, plus strand): 5'-CAGCGCCCGAGCCGGGCAAGTACGTCATCACCATCCGCTTCGGGGGTGAGCACATCCCCA[A>G]CAGCCCCTTCCACGTGCTGGTAAGTTCTGTAGCCACAGCAAGACTAGATGGCTGGGGAGG-3'
Protein context (NP_001449.3, residues 1717-1737): TIRFGGEHIP[Asn1727Ser]SPFHVLACDP